The following is an entry in ClinVar:

ClinVar aggregate classification (germline): Uncertain significance (1 of 4 stars; one submission).

gnomAD v4.1: 2 of 1,607,970 alleles (0.00012%); highest among the groups gnomAD compares: Admixed American, 0.0034%; no homozygotes.

Submission:

Labcorp Genetics (formerly Invitae), Labcorp
Classification: Uncertain significance. Last evaluated: 2024-03-30. Review status: criteria provided, single submitter. Criteria: Invitae Variant Classification Sherloc (09022015). Collection method: clinical testing. Allele origin: germline.
Comment: This sequence change replaces glutamic acid, which is acidic and polar, with aspartic acid, which is acidic and polar, at codon 370 of the CCDC186 protein (p.Glu370Asp). The frequency data for this variant in the population databases is considered unreliable, as metrics indicate poor data quality at this position in the gnomAD database. This variant has not been reported in the literature in individuals affected with CCDC186-related conditions. Algorithms developed to predict the effect of missense changes on protein structure and function output the following: SIFT: "Not Available"; PolyPhen-2: "Benign"; Align-GVGD: "Not Available". The aspartic acid amino acid residue is found in multiple mammalian species, which suggests that this missense change does not adversely affect protein function. In summary, the available evidence is currently insufficient to determine the role of this variant in disease. Therefore, it has been classified as a Variant of Uncertain Significance.

NM_018017.4(CCDC186):c.1110A>C (p.Glu370Asp)

Gene: CCDC186 (coiled-coil domain containing 186; minus strand). Cytogenetic location: 10q25.3.
Variant type: single nucleotide variant.
Coding change: c.1110A>C on transcript NM_018017.4 (MANE Select); coding-DNA position 1110, A replaced by C.
Protein change: p.Glu370Asp; replaces glutamic acid 370 with aspartic acid.
Molecular consequence: missense variant. On other transcripts: non-coding transcript variant (1).
Genome position (GRCh38, 1-based): chr10:114,144,608, T>G on the plus strand (A>C on the coding strand, the complement: CCDC186 is on the minus strand). VCF-style: chr10-114144608-T-G. GRCh37 (hg19) VCF-style: chr10-115904367-T-G.
Other names: c.1110A>C, p.Glu370Asp (NM_001321829.1); short protein forms E370D.
Identifiers: ClinVar variation 3718489 (VCV003718489.2).